The following is an entry in ClinVar:

NM_001197104.2(KMT2A):c.1249A>G (p.Ile417Val)

Gene: KMT2A (lysine methyltransferase 2A; plus strand). Cytogenetic location: 11q23.3.
Variant type: single nucleotide variant.
Coding change: c.1249A>G on transcript NM_001197104.2 (MANE Select); coding-DNA position 1249, A replaced by G.
Protein change: p.Ile417Val; replaces isoleucine 417 with valine.
Molecular consequence: missense variant.
Genome position (GRCh38, 1-based): chr11:118,472,408, A>G. VCF-style: chr11-118472408-A-G. GRCh37 (hg19) VCF-style: chr11-118343123-A-G.
Other names: c.1348A>G, p.Ile450Val (NM_001412597.1); c.1249A>G, p.Ile417Val (NM_005933.4); short protein forms I417V, I450V.
Identifiers: ClinVar variation 2582005 (VCV002582005.2), dbSNP rs2496797461, ClinGen allele CA382809700.
Genomic context (GRCh38, chr11:118,472,408, plus strand): 5'-AGAAAGGTGAAGACACAGGTCAAAAATATTCGACAGTTCATCATGCCTGTTGTCAGTGCT[A>G]TCTCCTCGCGGATCATTAAGACCCCTCGGCGGTTTATAGAGGATGAGGATTATGACCCTC-3'
Protein context (NP_001184033.1, residues 407-427): RQFIMPVVSA[Ile417Val]SSRIIKTPRR

ClinVar aggregate classification (germline): Uncertain significance. Review status: criteria provided, multiple submitters, no conflicts (2 of 4 stars). 2 submissions from 2 submitters: Uncertain significance (2). Last evaluated 2025-07-10.

Allele frequency attached by ClinVar (database versions not stated): gnomAD exomes below 0.00001.
gnomAD v4.1: 1 of 1,614,078 alleles (0.000062%); highest among the groups gnomAD compares: Non-Finnish European, 0.000085%; no homozygotes.

Submissions (2):

Labcorp Genetics (formerly Invitae), Labcorp
Classification: Uncertain significance. Last evaluated: 2025-07-10. Review status: criteria provided, single submitter. Criteria: Invitae Variant Classification Sherloc (09022015). Collection method: clinical testing. Allele origin: germline.
Comment: This sequence change replaces isoleucine, which is neutral and non-polar, with valine, which is neutral and non-polar, at codon 417 of the KMT2A protein (p.Ile417Val). This variant is not present in population databases (gnomAD no frequency). This variant has not been reported in the literature in individuals affected with KMT2A-related conditions. ClinVar contains an entry for this variant (Variation ID: 2582005). Invitae Evidence Modeling of protein sequence and biophysical properties (such as structural, functional, and spatial information, amino acid conservation, physicochemical variation, residue mobility, and thermodynamic stability) indicates that this missense variant is not expected to disrupt KMT2A protein function with a negative predictive value of 95%. In summary, the available evidence is currently insufficient to determine the role of this variant in disease. Therefore, it has been classified as a Variant of Uncertain Significance.

GeneDx
Classification: Uncertain significance. Last evaluated: 2023-03-29. Review status: criteria provided, single submitter. Criteria: GeneDx Variant Classification Process June 2021. Collection method: clinical testing. Allele origin: germline. Affected: yes.
Comment: Not observed at significant frequency in large population cohorts (gnomAD); In silico analysis supports that this missense variant does not alter protein structure/function; Has not been previously published as pathogenic or benign to our knowledge